The following is an entry in ClinVar:

NM_001048174.2(MUTYH):c.3G>T (p.Met1Ile)

Gene: MUTYH (mutY DNA glycosylase; minus strand). Cytogenetic location: 1p34.1.
Variant type: single nucleotide variant.
Coding change: c.3G>T on transcript NM_001048174.2 (MANE Select); coding-DNA position 3, G replaced by T.
Protein change: p.Met1Ile; changes the start codon (methionine 1).
Molecular consequence: missense variant, initiator codon variant. On other transcripts: 5 prime UTR variant (4), non-coding transcript variant (2).
Genome position (GRCh38, 1-based): chr1:45,334,503, C>A on the plus strand (G>T on the coding strand, the complement: MUTYH is on the minus strand). VCF-style: chr1-45334503-C-A. GRCh37 (hg19) VCF-style: chr1-45800175-C-A.
Other names: c.3G>T, p.Met1Ile (NM_001048171.2, NM_001048172.2, NM_001048173.2 and 15 more transcripts); c.45G>T, p.Met15Ile (NM_001128425.2, NM_001293190.2, NM_001407069.1 and 2 more transcripts); c.-210G>T (NM_001293192.2, NM_001293196.2, NM_001407091.1); c.-269G>T (NM_001350650.2); c.-205G>T (NM_001350651.2, NM_001407082.1); c.-154G>T (NM_001407075.1); c.21G>T, p.Met7Ile (NM_001407087.1); short protein forms M15I, M1I, M7I.
Identifiers: ClinVar variation 1741808 (VCV001741808.3), dbSNP rs1570467004, ClinGen allele CA340137306.

ClinVar aggregate classification (germline): Uncertain significance (1 of 4 stars; one submission).

Conditions:
Hereditary cancer-predisposing syndrome. Also called: Hereditary Cancer Syndrome; Hereditary neoplastic syndrome; Neoplastic Syndromes, Hereditary; Tumor predisposition. Identifiers: Orphanet 140162, MedGen C0027672, MeSH D009386, MONDO:0015356.

Submission:

Ambry Genetics
Classification: Uncertain significance for Hereditary cancer-predisposing syndrome. Last evaluated: 2021-04-01. Review status: criteria provided, single submitter. Criteria: Ambry Variant Classification Scheme 2023. Collection method: clinical testing. Allele origin: germline.
Comment: The p.M15I variant (also known as c.45G>T), located in coding exon 2 of the MUTYH gene, results from a G to T substitution at nucleotide position 45. The methionine at codon 15 is replaced by isoleucine, an amino acid with highly similar properties. This amino acid position is highly conserved in available vertebrate species. In addition, the in silico prediction for this alteration is inconclusive. Since supporting evidence is limited at this time, the clinical significance of this alteration remains unclear.